The following is an entry in ClinVar:

ClinVar aggregate classification (germline): Likely benign (1 of 4 stars; one submission).

Allele frequency attached by ClinVar (database versions not stated): 1000 Genomes Project 30x 0.00234; TOPMed 0.00237; 1000 Genomes Project 0.00240; ESP Exome Variant Server 0.00270; gnomAD 0.00392; ExAC 0.00527.

Submission:

CeGaT Center for Human Genetics Tuebingen
Classification: Likely benign. Last evaluated: 2023-08-01. Review status: criteria provided, single submitter. Criteria: CeGaT Center For Human Genetics Tuebingen Variant Classification Criteria Version 2. Collection method: clinical testing. Allele origin: germline. Affected: yes. Observed: 3 variant alleles.
Comment: PIGZ: BP4, BS2

NM_025163.4(PIGZ):c.371C>T (p.Ala124Val)

Gene: PIGZ (phosphatidylinositol glycan anchor biosynthesis class Z (Gwada blood group); minus strand). Cytogenetic location: 3q29.
Variant type: single nucleotide variant.
Coding change: c.371C>T on transcript NM_025163.4 (MANE Select); coding-DNA position 371, C replaced by T.
Protein change: p.Ala124Val; replaces alanine 124 with valine.
Molecular consequence: missense variant.
Genome position (GRCh38, 1-based): chr3:196,948,526, G>A on the plus strand (C>T on the coding strand, the complement: PIGZ is on the minus strand). VCF-style: chr3-196948526-G-A. GRCh37 (hg19) VCF-style: chr3-196675397-G-A.
Other names: short protein forms A124V.
Identifiers: ClinVar variation 2654518 (VCV002654518.24), dbSNP rs144088027, ClinGen allele CA2783962.